The following is an entry in ClinVar:

ClinVar aggregate classification (germline): Uncertain significance. Review status: criteria provided, multiple submitters, no conflicts (2 of 4 stars). 2 submissions from 2 submitters: Uncertain significance (2). Last evaluated 2022-12-02.

Conditions:
Familial hypocalciuric hypercalcemia (FHH). Also called: Familial benign hypercalcemia. Identifiers: Orphanet 405, MedGen C1809471, MONDO:0018458.
Autosomal dominant hypocalcemia 1 (HYPOC1). Also called: HYPOCALCEMIA, FAMILIAL. Identifiers: MedGen C3715128, MONDO:0011013, OMIM 601198.
Nephrolithiasis/nephrocalcinosis. Identifiers: MedGen CN580796.

Submissions (2):

Labcorp Genetics (formerly Invitae), Labcorp
Classification: Uncertain significance for Familial hypocalciuric hypercalcemia; Autosomal dominant hypocalcemia 1. Last evaluated: 2022-12-02. Review status: criteria provided, single submitter. Criteria: Invitae Variant Classification Sherloc (09022015). Collection method: clinical testing. Allele origin: germline.
Comment: In summary, the available evidence is currently insufficient to determine the role of this variant in disease. Therefore, it has been classified as a Variant of Uncertain Significance. Algorithms developed to predict the effect of missense changes on protein structure and function (SIFT, PolyPhen-2, Align-GVGD) all suggest that this variant is likely to be disruptive. This variant has not been reported in the literature in individuals affected with CASR-related conditions. This variant is not present in population databases (gnomAD no frequency). This sequence change replaces glycine, which is neutral and non-polar, with glutamic acid, which is acidic and polar, at codon 440 of the CASR protein (p.Gly440Glu).

Ambry Genetics
Classification: Uncertain significance for Nephrolithiasis/nephrocalcinosis. Last evaluated: 2022-08-23. Review status: criteria provided, single submitter. Criteria: Ambry Variant Classification Scheme 2023. Collection method: clinical testing. Allele origin: germline.
Comment: The p.G440E variant (also known as c.1319G>A), located in coding exon 3 of the CASR gene, results from a G to A substitution at nucleotide position 1319. The glycine at codon 440 is replaced by glutamic acid, an amino acid with similar properties. This amino acid position is conserved. In addition, this alteration is predicted to be deleterious by in silico analysis. Since supporting evidence is limited at this time, the clinical significance of this alteration remains unclear.

NM_000388.4(CASR):c.1319G>A (p.Gly440Glu)

Gene: CASR (calcium sensing receptor; plus strand). Cytogenetic location: 3q21.1.
Variant type: single nucleotide variant.
Coding change: c.1319G>A on transcript NM_000388.4 (MANE Select); coding-DNA position 1319, G replaced by A.
Protein change: p.Gly440Glu; replaces glycine 440 with glutamic acid.
Molecular consequence: missense variant.
Genome position (GRCh38, 1-based): chr3:122,262,354, G>A. VCF-style: chr3-122262354-G-A. GRCh37 (hg19) VCF-style: chr3-121981201-G-A.
Other names: c.1319G>A, p.Gly440Glu (NM_001178065.2); short protein forms G440E.
Identifiers: ClinVar variation 1769849 (VCV001769849.5), dbSNP rs2473229119, ClinGen allele CA354153098.